The following is an entry in ClinVar:

ClinVar aggregate classification (germline): Uncertain significance. Review status: criteria provided, multiple submitters, no conflicts (2 of 4 stars). 2 submissions from 2 submitters: Uncertain significance (2). Last evaluated 2025-06-09.

Conditions:
Tuberous sclerosis 2 (TSC2). Identifiers: Orphanet 805, MedGen C1860707, MONDO:0013199, OMIM 613254.
Isolated focal cortical dysplasia type II (FCORD2). Also called: Focal cortical dysplasia type II; CORTICAL DYSPLASIA OF TAYLOR. Identifiers: Orphanet 268994, MedGen C1846385, MONDO:0011818, OMIM 607341, HP:0032051.

Submissions (2):

Labcorp Genetics (formerly Invitae), Labcorp
Classification: Uncertain significance for Tuberous sclerosis 2. Last evaluated: 2025-06-09. Review status: criteria provided, single submitter. Criteria: Invitae Variant Classification Sherloc (09022015). Collection method: clinical testing. Allele origin: germline.
Comment: This sequence change replaces isoleucine, which is neutral and non-polar, with valine, which is neutral and non-polar, at codon 1582 of the TSC2 protein (p.Ile1582Val). This variant is not present in population databases (gnomAD no frequency). This variant has not been reported in the literature in individuals affected with TSC2-related conditions. ClinVar contains an entry for this variant (Variation ID: 2679328). Invitae Evidence Modeling of protein sequence and biophysical properties (such as structural, functional, and spatial information, amino acid conservation, physicochemical variation, residue mobility, and thermodynamic stability) indicates that this missense variant is not expected to disrupt TSC2 protein function with a negative predictive value of 95%. In summary, the available evidence is currently insufficient to determine the role of this variant in disease. Therefore, it has been classified as a Variant of Uncertain Significance.

Baylor Genetics
Classification: Uncertain significance for Isolated focal cortical dysplasia type II. Last evaluated: 2023-10-02. Review status: criteria provided, single submitter. Criteria: ACMG Guidelines, 2015. Collection method: clinical testing. Allele origin: unknown.

NM_000548.5(TSC2):c.4744A>G (p.Ile1582Val)

Gene: TSC2 (TSC complex subunit 2; plus strand). Cytogenetic location: 16p13.3.
Variant type: single nucleotide variant.
Coding change: c.4744A>G on transcript NM_000548.5 (MANE Select); coding-DNA position 4744, A replaced by G.
Protein change: p.Ile1582Val; replaces isoleucine 1582 with valine.
Molecular consequence: missense variant. On other transcripts: non-coding transcript variant (5).
Genome position (GRCh38, 1-based): chr16:2,086,274, A>G. VCF-style: chr16-2086274-A-G. GRCh37 (hg19) VCF-style: chr16-2136275-A-G.
Other names: c.4543A>G, p.Ile1515Val (NM_001077183.3); c.4675A>G, p.Ile1559Val (NM_001114382.3); c.4435A>G, p.Ile1479Val (NM_001318827.2); c.4399A>G, p.Ile1467Val (NM_001318829.2); c.4012A>G, p.Ile1338Val (NM_001318831.2); c.4576A>G, p.Ile1526Val (NM_001318832.2); c.4546A>G, p.Ile1516Val (NM_001363528.2); c.4612A>G, p.Ile1538Val (NM_001370404.1); and 26 more; short protein forms I1067V, I1068V, I1090V, I1091V, I1111V, I1315V, I1316V, I1338V.
Identifiers: ClinVar variation 2679328 (VCV002679328.2), dbSNP rs2151572578, ClinGen allele CA394307677.